The following is an entry in ClinVar:

NM_004608.4(TBX6):c.929C>T (p.Pro310Leu)

Gene: TBX6 (T-box transcription factor 6; minus strand). Cytogenetic location: 16p11.2.
Variant type: single nucleotide variant.
Coding change: c.929C>T on transcript NM_004608.4 (MANE Select); coding-DNA position 929, C replaced by T.
Protein change: p.Pro310Leu; replaces proline 310 with leucine.
Molecular consequence: missense variant.
Genome position (GRCh38, 1-based): chr16:30,086,680, G>A on the plus strand (C>T on the coding strand, the complement: TBX6 is on the minus strand). VCF-style: chr16-30086680-G-A. GRCh37 (hg19) VCF-style: chr16-30098001-G-A.
Other names: short protein forms P310L.
Identifiers: ClinVar variation 694409 (VCV000694409.1), dbSNP rs1596848757, ClinGen allele CA395514119.

ClinVar aggregate classification (germline): Uncertain significance (1 of 4 stars; one submission).

Conditions:
Scoliosis. Identifiers: MedGen C0036439, MONDO:0005392, HP:0002650.

Allele frequency attached by ClinVar (database versions not stated): gnomAD exomes below 0.00001.

Submission:

Beijing Key Laboratory for Genetic Research of Skeletal Deformity, Peking Union Medical College Hospital
Classification: Uncertain significance for scoliosis. Last evaluated: 2019-08-01. Review status: criteria provided, single submitter. Criteria: ACMG Guidelines, 2015. Collection method: research. Allele origin: germline. Affected: yes. Observed: 1 variant allele.
Comment: This variant may contribute to congenital scoliosis development

Literature cited by the submitters: PubMed 25564734.